The following is an entry in ClinVar:

ClinVar aggregate classification (germline): Uncertain significance (1 of 4 stars; one submission).

Conditions:
Hypertrophic cardiomyopathy. Also called: HYPERTROPHIC MYOCARDIOPATHY. Identifiers: Orphanet 217569, MedGen C0007194, MeSH D002312, MONDO:0005045, HP:0001639.

Submission:

Labcorp Genetics (formerly Invitae), Labcorp
Classification: Uncertain significance for Hypertrophic cardiomyopathy. Last evaluated: 2022-06-04. Review status: criteria provided, single submitter. Criteria: Invitae Variant Classification Sherloc (09022015). Collection method: clinical testing. Allele origin: germline.
Comment: In summary, the available evidence is currently insufficient to determine the role of this variant in disease. Therefore, it has been classified as a Variant of Uncertain Significance. Experimental studies and prediction algorithms are not available or were not evaluated, and the functional significance of this variant is currently unknown. This variant has not been reported in the literature in individuals affected with MYH7-related conditions. This variant is a gross deletion of the genomic region encompassing exon(s) 38-39 of the MYH7 gene. This variant would be expected to be in-frame, preserving the integrity of the reading frame.

NC_000014.8:g.(?_23882948)_(23883331_?)del

Gene: MYH7 (myosin heavy chain 7; minus strand). Cytogenetic location: 14q11.2.
Variant type: Deletion.
Identifiers: ClinVar variation 2422693 (VCV002422693.4).